The following is an entry in ClinVar:

ClinVar aggregate classification (germline): Uncertain significance (1 of 4 stars; one submission).

Conditions:
Microcephaly 18, primary, autosomal dominant (MCPH18). Identifiers: MedGen C4479608, MONDO:0054593, OMIM 617520.

Submission:

Baylor Genetics
Classification: Uncertain significance for Microcephaly 18, primary, autosomal dominant. Last evaluated: 2020-07-24. Review status: criteria provided, single submitter. Criteria: ACMG Guidelines, 2015. Collection method: clinical testing. Allele origin: unknown. Affected: yes.
Comment: This variant was determined to be of uncertain significance according to ACMG Guidelines, 2015 [PMID:25741868].

NM_014991.6(WDFY3):c.6619C>G (p.Leu2207Val)

Gene: WDFY3 (WD repeat and FYVE domain containing 3; minus strand). Cytogenetic location: 4q21.23.
Variant type: single nucleotide variant.
Coding change: c.6619C>G on transcript NM_014991.6 (MANE Select); coding-DNA position 6619, C replaced by G.
Protein change: p.Leu2207Val; replaces leucine 2207 with valine.
Molecular consequence: missense variant.
Genome position (GRCh38, 1-based): chr4:84,737,322, G>C on the plus strand (C>G on the coding strand, the complement: WDFY3 is on the minus strand). VCF-style: chr4-84737322-G-C. GRCh37 (hg19) VCF-style: chr4-85658475-G-C.
Other names: short protein forms L2207V.
Identifiers: ClinVar variation 1027921 (VCV001027921.1), dbSNP rs1737616997, ClinGen allele CA357552499.